The following is an entry in ClinVar:

NM_002772.3(TMPRSS15):c.238G>C (p.Val80Leu)

Gene: TMPRSS15 (transmembrane serine protease 15; minus strand). Cytogenetic location: 21q21.1.
Variant type: single nucleotide variant.
Coding change: c.238G>C on transcript NM_002772.3 (MANE Select); coding-DNA position 238, G replaced by C.
Protein change: p.Val80Leu; replaces valine 80 with leucine.
Molecular consequence: missense variant.
Genome position (GRCh38, 1-based): chr21:18,398,237, C>G on the plus strand (G>C on the coding strand, the complement: TMPRSS15 is on the minus strand). VCF-style: chr21-18398237-C-G. GRCh37 (hg19) VCF-style: chr21-19770554-C-G.
Other names: c.238G>C (NM_002772.2); short protein forms V80L.
Identifiers: ClinVar variation 1948310 (VCV001948310.4), dbSNP rs770678812, ClinGen allele CA9984825.

ClinVar aggregate classification (germline): Uncertain significance. Review status: criteria provided, multiple submitters, no conflicts (2 of 4 stars). 2 submissions from 2 submitters: Uncertain significance (2). Last evaluated 2024-05-12.

Allele frequency attached by ClinVar (database versions not stated): ExAC 0.00002; gnomAD 0.00006; TOPMed 0.00006; gnomAD exomes 0.00011.
gnomAD v4.1: 171 of 1,613,770 alleles (0.011%); highest among the groups gnomAD compares: Non-Finnish European, 0.014%; no homozygotes.

Submissions (2):

Ambry Genetics
Classification: Uncertain significance. Last evaluated: 2024-05-12. Review status: criteria provided, single submitter. Criteria: Ambry Variant Classification Scheme 2023. Collection method: clinical testing. Allele origin: germline.

Labcorp Genetics (formerly Invitae), Labcorp
Classification: Uncertain significance. Last evaluated: 2022-03-20. Review status: criteria provided, single submitter. Criteria: Invitae Variant Classification Sherloc (09022015). Collection method: clinical testing. Allele origin: germline.
Comment: This sequence change replaces valine, which is neutral and non-polar, with leucine, which is neutral and non-polar, at codon 80 of the TMPRSS15 protein (p.Val80Leu). In summary, the available evidence is currently insufficient to determine the role of this variant in disease. Therefore, it has been classified as a Variant of Uncertain Significance. Algorithms developed to predict the effect of missense changes on protein structure and function are either unavailable or do not agree on the potential impact of this missense change (SIFT: "Not Available"; PolyPhen-2: "Benign"; Align-GVGD: "Not Available"). This variant has not been reported in the literature in individuals affected with TMPRSS15-related conditions. This variant is present in population databases (rs770678812, gnomAD 0.006%).